The following is an entry in ClinVar:

NM_002700.3(POU4F3):c.288dup (p.Ile97fs)

Genes: POU4F3 (POU class 4 homeobox 3; plus strand), RBM27-POU4F3 (RBM27-POU4F3 readthrough; plus strand). Cytogenetic location: 5q32.
Variant type: Duplication.
Coding change: c.288dup on transcript NM_002700.3 (MANE Select); coding-DNA position 288, one base duplicated (C; older notation c.288dupC).
Protein change: p.Ile97fs; shifts the reading frame from isoleucine 97.
Molecular consequence: frameshift variant. On other transcripts: 3 prime UTR variant (1).
Genome position (GRCh38, 1-based): chr5:146,339,715, C duplicated; the last of 3 consecutive C bases (chr5:146,339,713-146,339,715); duplicating any one gives the same sequence. VCF-style (leftmost placement, unchanged base first): chr5-146339712-G-GC. GRCh37 (hg19) VCF-style: chr5-145719275-G-GC.
Other names: c.*157dup (NM_001414499.1); short protein forms I97fs.
Identifiers: ClinVar variation 4072367 (VCV004072367.1).

ClinVar aggregate classification (germline): Pathogenic (0 of 4 stars; one submission).

Conditions:
Autosomal dominant nonsyndromic hearing loss 15 (DFNA15). Also called: Autosomal dominant nonsyndromic hearing loss 52; DEAFNESS, AUTOSOMAL DOMINANT 52. Identifiers: Orphanet 90635, MedGen C1865366, MONDO:0011226, OMIM 602459.

Submission:

School of Basic Medicine, Hunan University of Medicine
Classification: Pathogenic for Autosomal dominant nonsyndromic hearing loss 15. Last evaluated: 2025-06-01. Review status: no assertion criteria provided. Collection method: research. Allele origin: germline. Affected: yes.
Comment: We initially identified the frameshift variant (c.288dup, p.Ile97Hisfs*75) of POU4F3 associated with DFNA15 in a Chinese family with deafness. The patients showed bilateral, late-onset, progressive and sensorineural hearing loss without any other systemic diseases. Whole-exome and Sanger sequencing revealed a novel pathogenic variant, c.288dup, within the POU4F3 gene in the large Chinese family, which entirely cosegregated with the disease phenotype. The variant produced a truncated protein without functional domains, as determined using modelling, and theoretically destroyed the function of POU4F3. Immunofluorescence experiments revealed that the subcellular localisation of the mutant protein differed from that of wild-type protein, which could damage its normal function. Additionally, immunoblotting experiments indicated that the mutant had lower protein expression than the wild type.